The following is an entry in ClinVar:

ClinVar aggregate classification (germline): Uncertain significance. Review status: criteria provided, multiple submitters, no conflicts (2 of 4 stars). 2 submissions from 2 submitters: Uncertain significance (2). Last evaluated 2026-09-08.

Conditions:
Inborn genetic diseases. Identifiers: MedGen C0950123, MeSH D030342.
PKD1-related disorder. Also called: PKD1-related condition.

gnomAD v4.1: 8 of 1,591,100 alleles (0.0005%); highest among the groups gnomAD compares: African/African-American, 0.0067%; no homozygotes.

Submissions (2):

PreventionGenetics, part of Exact Sciences
Classification: Uncertain significance for PKD1-related condition. Last evaluated: 2026-09-08. Review status: criteria provided, single submitter. Criteria: ACMG Guidelines, 2015. Collection method: clinical testing. Allele origin: germline.
Comment: The PKD1 c.5938T>C variant is predicted to result in the amino acid substitution p.Cys1980Arg. To our knowledge, this variant has not been reported in the literature. This variant is reported in 0.0019% of alleles in individuals of European (Non-Finnish) descent in gnomAD. At this time, the clinical significance of this variant is uncertain due to the absence of conclusive functional and genetic evidence.

Ambry Genetics
Classification: Uncertain significance for Inborn genetic diseases. Last evaluated: 2025-01-07. Review status: criteria provided, single submitter. Criteria: Ambry Variant Classification Scheme 2023. Collection method: clinical testing. Allele origin: germline.

NM_001009944.3(PKD1):c.5938T>C (p.Cys1980Arg)

Gene: PKD1 (polycystin 1, transient receptor potential channel interacting; minus strand). Cytogenetic location: 16p13.3.
Variant type: single nucleotide variant.
Coding change: c.5938T>C on transcript NM_001009944.3 (MANE Select); coding-DNA position 5938, T replaced by C.
Protein change: p.Cys1980Arg; replaces cysteine 1980 with arginine.
Molecular consequence: missense variant.
Genome position (GRCh38, 1-based): chr16:2,109,229, A>G on the plus strand (T>C on the coding strand, the complement: PKD1 is on the minus strand). VCF-style: chr16-2109229-A-G. GRCh37 (hg19) VCF-style: chr16-2159230-A-G.
Other names: c.5938T>C, p.Cys1980Arg (NM_000296.4); short protein forms C1980R.
Identifiers: ClinVar variation 3889297 (VCV003889297.2).